The following is an entry in ClinVar:

ClinVar aggregate classification (germline): Uncertain significance (1 of 4 stars; one submission).

Conditions:
Polycystic kidney disease 6 with or without polycystic liver disease. Also called: Autosomal Dominant Polycystic Kidney Disease-DNAJB11. Identifiers: MedGen C4748044, MONDO:0054842, OMIM 618061.

Submission:

MVZ Medizinische Genetik Mainz
Classification: Uncertain significance for Polycystic kidney disease 6 with or without polycystic liver disease. Last evaluated: 2025-07-28. Review status: criteria provided, single submitter. Criteria: UK Practice Guidelines For Variant Classification V4 01 2020. Collection method: clinical testing. Allele origin: germline. Inheritance: Autosomal dominant inheritance. Affected: yes. Observed: 1 variant allele.
Comment: ACMG Criteria: PVS1_MOD,PM2_SUP,PP4

NM_016306.6(DNAJB11):c.1012+1G>T

Gene: DNAJB11 (DnaJ heat shock protein family (Hsp40) member B11; plus strand). Cytogenetic location: 3q27.3.
Variant type: single nucleotide variant.
Coding change: c.1012+1G>T on transcript NM_016306.6 (MANE Select); the canonical splice donor site of the intron after coding-DNA position 1012, G replaced by T.
Molecular consequence: splice donor variant.
Genome position (GRCh38, 1-based): chr3:186,584,590, G>T. VCF-style: chr3-186584590-G-T. GRCh37 (hg19) VCF-style: chr3-186302379-G-T.
Other names: c.736+1G>T (NM_001378451.1).
Identifiers: ClinVar variation 4077100 (VCV004077100.1).